The following is an entry in ClinVar:

ClinVar aggregate classification (germline): Uncertain significance (1 of 4 stars; one submission).

Conditions:
Inborn genetic diseases. Identifiers: MedGen C0950123, MeSH D030342.

Submission:

Ambry Genetics
Classification: Uncertain significance for Inborn genetic diseases. Last evaluated: 2023-04-11. Review status: criteria provided, single submitter. Criteria: Ambry Variant Classification Scheme 2023. Collection method: clinical testing. Allele origin: germline.
Comment: The p.T415N variant (also known as c.1244C>A), located in coding exon 13 of the ERCC2 gene, results from a C to A substitution at nucleotide position 1244. The threonine at codon 415 is replaced by asparagine, an amino acid with similar properties. This amino acid position is conserved. In addition, the in silico prediction for this alteration is inconclusive. Since supporting evidence is limited at this time, the clinical significance of this alteration remains unclear.

NM_000400.4(ERCC2):c.1244C>A (p.Thr415Asn)

Gene: ERCC2 (ERCC excision repair 2, TFIIH core complex helicase subunit; minus strand). Cytogenetic location: 19q13.32.
Variant type: single nucleotide variant.
Coding change: c.1244C>A on transcript NM_000400.4 (MANE Select); coding-DNA position 1244, C replaced by A.
Protein change: p.Thr415Asn; replaces threonine 415 with asparagine.
Molecular consequence: missense variant.
Genome position (GRCh38, 1-based): chr19:45,357,693, G>T on the plus strand (C>A on the coding strand, the complement: ERCC2 is on the minus strand). VCF-style: chr19-45357693-G-T. GRCh37 (hg19) VCF-style: chr19-45860951-G-T.
Other names: short protein forms T415N.
Identifiers: ClinVar variation 2566686 (VCV002566686.2), dbSNP rs2514014134, ClinGen allele CA406368273.
Genomic context (GRCh38, chr19:45,357,693, plus strand): 5'-AAGTGCAGGATGGGGTTGGCAATGGTCGGGGTTCTGTCGTCAAAGGGCTCGATGATGATG[G>T]TGAAGCCTGCAGAGGGCAGGCAAGGAGGGGTGAGATTACCCCACTACAGCCACAGCTGCA-3'
Protein context (NP_000391.1, residues 405-425): TLVSTYAKGF[Thr415Asn]IIIEPFDDRT